The following is an entry in ClinVar:

NM_001854.4(COL11A1):c.2754+139T>G

Gene: COL11A1 (collagen type XI alpha 1 chain; minus strand). Cytogenetic location: 1p21.1.
Variant type: single nucleotide variant.
Coding change: c.2754+139T>G on transcript NM_001854.4 (MANE Select); 139 bases into the intron after coding-DNA position 2754, T replaced by G.
Molecular consequence: intron variant.
Genome position (GRCh38, 1-based): chr1:102,978,569, A>C on the plus strand (T>G on the coding strand, the complement: COL11A1 is on the minus strand). VCF-style: chr1-102978569-A-C. GRCh37 (hg19) VCF-style: chr1-103444125-A-C.
Other names: c.2637+139T>G (NM_001190709.2); c.2790+139T>G (NM_080629.3); c.2406+139T>G (NM_080630.4).
Identifiers: ClinVar variation 677964 (VCV000677964.2), dbSNP rs2616018, ClinGen allele CA10812311.

ClinVar aggregate classification (germline): Benign. Review status: criteria provided, multiple submitters, no conflicts (2 of 4 stars). 2 submissions from 2 submitters: Benign (2). Last evaluated 2018-06-14.

Allele frequency attached by ClinVar (database versions not stated): gnomAD 0.06256 and 0.06577; 1000 Genomes Project 0.06330; TOPMed 0.06400; 1000 Genomes Project 30x 0.06558.
gnomAD v4.1: 30,052 of 912,106 alleles (3.3%); highest among the groups gnomAD compares: African/African-American, 16%; 1,154 homozygotes.

Submissions (2):

GeneDx
Classification: Benign. Last evaluated: 2018-06-14. Review status: criteria provided, single submitter. Criteria: GeneDx Variant Classification (06012015). Collection method: clinical testing. Allele origin: germline. Affected: yes.
Comment: This variant is considered likely benign or benign based on one or more of the following criteria: it is a conservative change, it occurs at a poorly conserved position in the protein, it is predicted to be benign by multiple in silico algorithms, and/or has population frequency not consistent with disease.

Breakthrough Genomics
Classification: Benign. Review status: criteria provided, single submitter. Criteria: ACMG Guidelines, 2015. Collection method: not provided. Allele origin: germline. Inheritance: Autosomal recessive inheritance. Affected: yes.